The following is an entry in ClinVar:

ClinVar aggregate classification (germline): Uncertain significance (1 of 4 stars; one submission).

Conditions:
Mosaic variegated aneuploidy syndrome 1 (MVA1). Also called: Warburton-Anyane-Yeboa syndrome. Identifiers: Orphanet 1052, MedGen C1850343, MONDO:0009759, OMIM 257300.

Submission:

Labcorp Genetics (formerly Invitae), Labcorp
Classification: Uncertain significance for Mosaic variegated aneuploidy syndrome 1. Last evaluated: 2022-05-07. Review status: criteria provided, single submitter. Criteria: Invitae Variant Classification Sherloc (09022015). Collection method: clinical testing. Allele origin: unknown.
Comment: A copy number gain of the genomic region encompassing the full coding sequence of the BUB1B gene has been identified. The boundaries of this event are unknown as they extend beyond the assayed region for this gene and therefore may encompass additional genes. As the precise location of this event is unknown, it may be in tandem or it may be located elsewhere in the genome. In summary, the available evidence is currently insufficient to determine the role of this variant in disease. Therefore, it has been classified as a Variant of Uncertain Significance. This variant has not been reported in the literature in individuals affected with BUB1B-related conditions.

NC_000015.9:g.(?_38545387)_(42105565_?)dup

Genes: ANKRD63 (ankyrin repeat domain 63; minus strand), BAHD1 (bromo adjacent homology domain containing 1; plus strand), BMF (Bcl2 modifying factor; minus strand), BUB1B (BUB1 mitotic checkpoint serine/threonine kinase B; plus strand), C15orf62 (chromosome 15 open reading frame 62; plus strand) and 46 more. Cytogenetic location: 15q14-15.1.
Variant type: Duplication.
Identifiers: ClinVar variation 3243779 (VCV003243779.1).